The following is an entry in ClinVar:

ClinVar aggregate classification (germline): Benign/Likely benign. Review status: criteria provided, multiple submitters, no conflicts (2 of 4 stars). 4 submissions from 4 submitters: Benign (2); Likely benign (2). Last evaluated 2023-04-28.

Conditions:
Spastic paraplegia. Identifiers: MedGen C0037772, HP:0001258.
Hereditary spastic paraplegia. Also called: Familial spastic paraparesis. Identifiers: Orphanet 685, MedGen C0037773, MONDO:0019064. Disease mechanism: loss of function.
Hereditary spastic paraplegia 13 (SPG13). Also called: Spastic paraplegia 13; SPASTIC PARAPLEGIA 13, AUTOSOMAL DOMINANT. Identifiers: Orphanet 100994, MedGen C1854467, MONDO:0011532, OMIM 605280.

Allele frequency attached by ClinVar (database versions not stated): TOPMed 0.00008; ExAC 0.00028; 1000 Genomes Project 30x 0.00078; 1000 Genomes Project 0.00100.
gnomAD v4.1: 256 of 1,612,210 alleles (0.016%); highest among the groups gnomAD compares: East Asian, 0.49%; 2 homozygotes.

Submissions (4):

Labcorp Genetics (formerly Invitae), Labcorp
Classification: Benign for Spastic paraplegia. Last evaluated: 2023-04-28. Review status: criteria provided, single submitter. Criteria: Invitae Variant Classification Sherloc (09022015). Collection method: clinical testing. Allele origin: germline.

Blueprint Genetics
Classification: Likely benign. Last evaluated: 2021-06-16. Review status: criteria provided, single submitter. Criteria: ACMG Guidelines, 2015. Collection method: clinical testing. Allele origin: germline.

Illumina Laboratory Services, Illumina
Classification: Benign for Hereditary spastic paraplegia 13. Last evaluated: 2018-01-13. Review status: criteria provided, single submitter. Criteria: ICSL Variant Classification Criteria 13 December 2019. Collection method: clinical testing. Allele origin: germline.
Comment: This variant was observed in the ICSL laboratory as part of a predisposition screen in an ostensibly healthy population. It had not been previously curated by ICSL or reported in the Human Gene Mutation Database (HGMD: prior to June 1st, 2018), and was therefore a candidate for classification through an automated scoring system. Utilizing variant allele frequency, disease prevalence and penetrance estimates, and inheritance mode, an automated score was calculated to assess if this variant is too frequent to cause the disease. Based on the score and internal cut-off values, a variant classified as benign is not then subjected to further curation. The score for this variant resulted in a classification of benign for this disease.

Genome Diagnostics Laboratory, The Hospital for Sick Children
Classification: Likely benign for Hereditary spastic paraplegia. Last evaluated: 2017-05-09. Review status: criteria provided, single submitter. Criteria: ACMG Guidelines, 2015. Collection method: clinical testing. Allele origin: germline. Affected: yes.

NM_002156.5(HSPD1):c.1434C>G (p.Thr478=)

Gene: HSPD1 (heat shock protein family D (Hsp60) member 1; minus strand). Cytogenetic location: 2q33.1.
Variant type: single nucleotide variant.
Coding change: c.1434C>G on transcript NM_002156.5 (MANE Select); coding-DNA position 1434, C replaced by G.
Protein change: p.Thr478=; no amino-acid change (threonine 478 retained).
Molecular consequence: synonymous variant.
Genome position (GRCh38, 1-based): chr2:197,487,993, G>C on the plus strand (C>G on the coding strand, the complement: HSPD1 is on the minus strand). VCF-style: chr2-197487993-G-C. GRCh37 (hg19) VCF-style: chr2-198352717-G-C.
Other names: c.1434C>G, p.Thr478= (NM_199440.2).
Identifiers: ClinVar variation 895970 (VCV000895970.11), dbSNP rs199527127, ClinGen allele CA2043361.